The following is an entry in ClinVar:

ClinVar aggregate classification (germline): Uncertain significance (1 of 4 stars; one submission).

gnomAD v4.1: 1 of 1,611,970 alleles (0.000062%); no homozygotes.

Submission:

GeneDx
Classification: Uncertain significance. Last evaluated: 2023-07-28. Review status: criteria provided, single submitter. Criteria: GeneDx Variant Classification Process June 2021. Collection method: clinical testing. Allele origin: germline. Affected: yes.
Comment: Not observed at significant frequency in large population cohorts (gnomAD); In silico analysis supports that this missense variant does not alter protein structure/function; Has not been previously published as pathogenic or benign to our knowledge

NM_001370100.5(ZMYND11):c.715G>A (p.Asp239Asn)

Gene: ZMYND11 (zinc finger MYND-type containing 11; plus strand). Cytogenetic location: 10p15.3.
Variant type: single nucleotide variant.
Coding change: c.715G>A on transcript NM_001370100.5 (MANE Select); coding-DNA position 715, G replaced by A.
Protein change: p.Asp239Asn; replaces aspartic acid 239 with asparagine.
Molecular consequence: missense variant. On other transcripts: intron variant (2).
Genome position (GRCh38, 1-based): chr10:240,073, G>A. VCF-style: chr10-240073-G-A. GRCh37 (hg19) VCF-style: chr10-286013-G-A.
Other names: c.553G>A, p.Asp185Asn (NM_001370109.2, NM_001202464.3, NM_001202467.1 and 6 more transcripts); c.460G>A, p.Asp154Asn (NM_001370110.2, NM_001202465.3); c.550G>A, p.Asp184Asn (NM_001370111.2, NM_001202466.3); c.664G>A, p.Asp222Asn (NM_001370112.2, NM_001330057.3); c.622G>A, p.Asp208Asn (NM_001370113.2, NM_001370114.2); c.712G>A, p.Asp238Asn (NM_001370115.2, NM_212479.4); c.649G>A, p.Asp217Asn (NM_001370116.2); c.715G>A, p.Asp239Asn (NM_001370117.2, NM_001370119.2, NM_006624.7 and 6 more transcripts); and 6 more; short protein forms D145N, D154N, D163N, D184N, D185N, D199N, D208N, D217N.
Identifiers: ClinVar variation 3361615 (VCV003361615.1).